The following is an entry in ClinVar:

ClinVar aggregate classification (germline): Likely benign. Review status: criteria provided, single submitter (1 of 4 stars). 2 submissions from 2 submitters: Likely benign (1). 1 of the submissions does not count toward it. Last evaluated 2025-03-19.

Conditions:
NTRK2-related disorder. Also called: NTRK2-related condition.

Allele frequency attached by ClinVar (database versions not stated): gnomAD exomes 0.00001 and 0.00002; ExAC 0.00002; TOPMed 0.00003; gnomAD 0.00006; ESP Exome Variant Server 0.00008.
gnomAD v4.1: 13 of 1,614,264 alleles (0.00081%); highest among the groups gnomAD compares: African/African-American, 0.017%; no homozygotes.

Submissions (2):

Labcorp Genetics (formerly Invitae), Labcorp
Classification: Likely benign. Last evaluated: 2025-03-19. Review status: criteria provided, single submitter. Criteria: Invitae Variant Classification Sherloc (09022015). Collection method: clinical testing. Allele origin: germline.

PreventionGenetics, part of Exact Sciences
Classification: Likely benign for NTRK2-related condition. Last evaluated: 2024-04-21. Review status: no assertion criteria provided. Collection method: clinical testing. Allele origin: germline. Not counted in ClinVar's aggregate classification.
Comment: This variant is classified as likely benign based on ACMG/AMP sequence variant interpretation guidelines (Richards et al. 2015 PMID: 25741868, with internal and published modifications).

NM_006180.6(NTRK2):c.2103G>A (p.Gly701=)

Gene: NTRK2 (neurotrophic receptor tyrosine kinase 2; plus strand). Cytogenetic location: 9q21.33.
Variant type: single nucleotide variant.
Coding change: c.2103G>A on transcript NM_006180.6 (MANE Select); coding-DNA position 2103, G replaced by A.
Protein change: p.Gly701=; no amino-acid change (glycine 701 retained).
Molecular consequence: synonymous variant.
Genome position (GRCh38, 1-based): chr9:84,955,448, G>A. VCF-style: chr9-84955448-G-A. GRCh37 (hg19) VCF-style: chr9-87570363-G-A.
Other names: c.2103G>A (NM_006180.4); c.2055G>A, p.Gly685= (NM_001018064.3, NM_001369532.1, NM_001369533.1); c.2019G>A, p.Gly673= (NM_001369534.1); c.1587G>A, p.Gly529= (NM_001369535.1); c.1635G>A, p.Gly545= (NM_001369536.1).
Identifiers: ClinVar variation 1575903 (VCV001575903.9), dbSNP rs370505207, ClinGen allele CA5105914.